The following is an entry in ClinVar:

ClinVar aggregate classification (germline): Conflicting classifications of pathogenicity. Review status: criteria provided, conflicting classifications (1 of 4 stars). 2 submissions from 2 submitters: Uncertain significance (1); Likely benign (1). Last evaluated 2025-12-29.

Allele frequency attached by ClinVar (database versions not stated): ExAC 0.00001; gnomAD 0.00001; TOPMed 0.00002; ESP Exome Variant Server 0.00008.

Submissions (2):

Labcorp Genetics (formerly Invitae), Labcorp
Classification: Likely benign. Last evaluated: 2025-12-29. Review status: criteria provided, single submitter. Criteria: Invitae Variant Classification Sherloc (09022015). Collection method: clinical testing. Allele origin: germline.

GeneDx
Classification: Uncertain significance. Last evaluated: 2024-10-30. Review status: criteria provided, single submitter. Criteria: GeneDx Variant Classification Process June 2021. Collection method: clinical testing. Allele origin: germline. Affected: yes.
Comment: Not observed at significant frequency in large population cohorts (gnomAD); Has not been previously published as pathogenic or benign to our knowledge; In silico analysis suggests this variant may impact gene splicing. In the absence of RNA/functional studies, the actual effect of this sequence change is unknown.

NM_001079866.2(BCS1L):c.577C>T (p.Leu193=)

Gene: BCS1L (BCS1 ubiquinol-cytochrome c reductase complex chaperone; plus strand). Cytogenetic location: 2q35.
Variant type: single nucleotide variant.
Coding change: c.577C>T on transcript NM_001079866.2 (MANE Select); coding-DNA position 577, C replaced by T.
Protein change: p.Leu193=; no amino-acid change (leucine 193 retained).
Molecular consequence: synonymous variant. On other transcripts: non-coding transcript variant (1).
Genome position (GRCh38, 1-based): chr2:218,661,875, C>T. VCF-style: chr2-218661875-C-T. GRCh37 (hg19) VCF-style: chr2-219526598-C-T.
Other names: c.577C>T, p.Leu193= (NM_001257342.2, NM_001257343.2, NM_001257344.2 and 10 more transcripts); c.217C>T, p.Leu73= (NM_001318836.2, NM_001371451.1); c.76C>T, p.Leu26= (NM_001371452.1, NM_001371453.1, NM_001371454.1 and 3 more transcripts).
Identifiers: ClinVar variation 765096 (VCV000765096.11), dbSNP rs372926306, ClinGen allele CA2109698.